The following is an entry in ClinVar:

NM_006949.4(STXBP2):c.38-3C>A

Gene: STXBP2 (syntaxin binding protein 2; plus strand). Cytogenetic location: 19p13.2.
Variant type: single nucleotide variant.
Coding change: c.38-3C>A on transcript NM_006949.4 (MANE Select); 3 bases into the intron before coding-DNA position 38, C replaced by A.
Molecular consequence: intron variant.
Genome position (GRCh38, 1-based): chr19:7,638,723, C>A. VCF-style: chr19-7638723-C-A. GRCh37 (hg19) VCF-style: chr19-7703609-C-A.
Other names: c.-59-3C>A (NM_001414484.1); c.38-3C>A (NM_001272034.2, NM_001127396.3).
Identifiers: ClinVar variation 4809128 (VCV004809128.1).
Genomic context (GRCh38, chr19:7,638,723, plus strand): 5'-GGCTTGGGGCAGTGGTGGGACCAGAGAACCAGCATTCTGACCCCTCCCCTCCCTTCCCTG[C>A]AGAAATTCTGAGCGGAGTTATTCGGAGTGTCAAGAAGGATGGGGAGTGGAAGGTAGGGGT-3'

ClinVar aggregate classification (germline): Uncertain significance (1 of 4 stars; one submission).

Conditions:
Familial hemophagocytic lymphohistiocytosis 5. Also called: STXBP2-Related Familial Hemophagocytic Lymphohistiocytosis (STXBP2-fHLH). Identifiers: Orphanet 540, MedGen C2751293, MONDO:0013135, OMIM 613101.

gnomAD v4.1: 7 of 1,614,000 alleles (0.00043%); highest among the groups gnomAD compares: Non-Finnish European, 0.00059%; no homozygotes.

Submission:

Labcorp Genetics (formerly Invitae), Labcorp
Classification: Uncertain significance for Familial hemophagocytic lymphohistiocytosis 5. Last evaluated: 2025-08-18. Review status: criteria provided, single submitter. Criteria: Invitae Variant Classification Sherloc (09022015). Collection method: clinical testing. Allele origin: germline.
Comment: This sequence change falls in intron 1 of the STXBP2 gene. It does not directly change the encoded amino acid sequence of the STXBP2 protein. It affects a nucleotide within the consensus splice site. This variant is present in population databases (rs774409953, gnomAD 0.002%). This variant has not been reported in the literature in individuals affected with STXBP2-related conditions. Variants that disrupt the consensus splice site are a relatively common cause of aberrant splicing (PMID: 17576681, 9536098). Algorithms developed to predict the effect of sequence changes on RNA splicing suggest that this variant may disrupt the consensus splice site. In summary, the available evidence is currently insufficient to determine the role of this variant in disease. Therefore, it has been classified as a Variant of Uncertain Significance.

Literature cited by the submitters: PubMed 17576681; PubMed 9536098.